The following is an entry in ClinVar:

NM_031310.3(PLVAP):c.466+3G>A

Gene: PLVAP (plasmalemma vesicle associated protein; minus strand). Cytogenetic location: 19p13.11.
Variant type: single nucleotide variant.
Coding change: c.466+3G>A on transcript NM_031310.3 (MANE Select); 3 bases into the intron after coding-DNA position 466, G replaced by A.
Molecular consequence: intron variant.
Genome position (GRCh38, 1-based): chr19:17,366,096, C>T on the plus strand (G>A on the coding strand, the complement: PLVAP is on the minus strand). VCF-style: chr19-17366096-C-T. GRCh37 (hg19) VCF-style: chr19-17476905-C-T.
Identifiers: ClinVar variation 2898495 (VCV002898495.3), dbSNP rs1480303724, ClinGen allele CA632134444.

ClinVar aggregate classification (germline): Uncertain significance (1 of 4 stars; one submission).

Allele frequency attached by ClinVar (database versions not stated): gnomAD 0.00001; gnomAD exomes 0.00001.
gnomAD v4.1: 7 of 1,614,012 alleles (0.00043%); highest among the groups gnomAD compares: Non-Finnish European, 0.00017%; no homozygotes.

Submission:

Labcorp Genetics (formerly Invitae), Labcorp
Classification: Uncertain significance. Last evaluated: 2024-01-18. Review status: criteria provided, single submitter. Criteria: Invitae Variant Classification Sherloc (09022015). Collection method: clinical testing. Allele origin: germline.
Comment: This sequence change falls in intron 2 of the PLVAP gene. It does not directly change the encoded amino acid sequence of the PLVAP protein. It affects a nucleotide within the consensus splice site. This variant is present in population databases (no rsID available, gnomAD 0.008%). This variant has not been reported in the literature in individuals affected with PLVAP-related conditions. Variants that disrupt the consensus splice site are a relatively common cause of aberrant splicing (PMID: 17576681, 9536098). Algorithms developed to predict the effect of sequence changes on RNA splicing suggest that this variant is not likely to affect RNA splicing. In summary, the available evidence is currently insufficient to determine the role of this variant in disease. Therefore, it has been classified as a Variant of Uncertain Significance.

Literature cited by the submitters: PubMed 17576681; PubMed 9536098.